The following is an entry in ClinVar:

NM_001130438.3(SPTAN1):c.931-16C>T

Gene: SPTAN1 (spectrin alpha, non-erythrocytic 1; plus strand). Cytogenetic location: 9q34.11.
Variant type: single nucleotide variant.
Coding change: c.931-16C>T on transcript NM_001130438.3 (MANE Select); 16 bases into the intron before coding-DNA position 931, C replaced by T.
Molecular consequence: intron variant.
Genome position (GRCh38, 1-based): chr9:128,577,336, C>T. VCF-style: chr9-128577336-C-T. GRCh37 (hg19) VCF-style: chr9-131339615-C-T.
Other names: c.931-16C>T (NM_001363759.2, NM_003127.4, NM_001363765.2 and 1 more transcripts).
Identifiers: ClinVar variation 139267 (VCV000139267.13), dbSNP rs149289060, ClinGen allele CA293713.

ClinVar aggregate classification (germline): Benign/Likely benign. Review status: criteria provided, multiple submitters, no conflicts (2 of 4 stars). 5 submissions from 5 submitters: Benign (3); Likely benign (2). Last evaluated 2026-02-03.

Conditions:
Early-infantile DEE. Also called: Early infantile epileptic encephalopathy with suppression bursts; Early infantile epileptic encephalopathy; Ohtahara syndrome. Identifiers: Orphanet 1934, MedGen C0393706, MONDO:0800491.
Developmental and epileptic encephalopathy, 5 (DEE5). Identifiers: Orphanet 3451, MedGen C3150731, MONDO:0013277, OMIM 613477.

Allele frequency attached by ClinVar (database versions not stated): gnomAD exomes 0.00256 and 0.00380; ExAC 0.00259; 1000 Genomes Project 0.00280; gnomAD 0.00281 and 0.00285; 1000 Genomes Project 30x 0.00297; TOPMed 0.00328; ESP Exome Variant Server 0.00354.
gnomAD v4.1: 5,989 of 1,614,156 alleles (0.37%); highest among the groups gnomAD compares: Middle Eastern, 0.64%; 15 homozygotes.

Submissions (5):

Labcorp Genetics (formerly Invitae), Labcorp
Classification: Benign for Early-infantile DEE. Last evaluated: 2026-02-03. Review status: criteria provided, single submitter. Criteria: Invitae Variant Classification Sherloc (09022015). Collection method: clinical testing. Allele origin: germline.

Blueprint Genetics
Classification: Likely benign. Last evaluated: 2024-11-27. Review status: criteria provided, single submitter. Criteria: ACMG Guidelines, 2015. Collection method: clinical testing. Allele origin: germline.

Fulgent Genetics
Classification: Likely benign for Developmental and epileptic encephalopathy, 5. Last evaluated: 2022-04-04. Review status: criteria provided, single submitter. Criteria: ACMG Guidelines, 2015. Collection method: clinical testing. Allele origin: unknown.

GeneDx
Classification: Benign. Last evaluated: 2013-03-26. Review status: criteria provided, single submitter. Criteria: GeneDx Variant Classification (06012015). Collection method: clinical testing. Allele origin: germline. Affected: yes.
Comment: This variant is considered likely benign or benign based on one or more of the following criteria: it is a conservative change, it occurs at a poorly conserved position in the protein, it is predicted to be benign by multiple in silico algorithms, and/or has population frequency not consistent with disease.

Breakthrough Genomics
Classification: Benign. Review status: criteria provided, single submitter. Criteria: ACMG Guidelines, 2015. Collection method: not provided. Allele origin: germline. Inheritance: Autosomal dominant inheritance. Affected: yes.